The following is an entry in ClinVar:

ClinVar aggregate classification (germline): Uncertain significance (1 of 4 stars; one submission).

Allele frequency attached by ClinVar (database versions not stated): gnomAD 0.00001; gnomAD exomes 0.00002; ExAC 0.00003; TOPMed 0.00003.
gnomAD v4.1: 44 of 1,614,022 alleles (0.0027%); highest among the groups gnomAD compares: Non-Finnish European, 0.0036%; no homozygotes.

Submission:

Labcorp Genetics (formerly Invitae), Labcorp
Classification: Uncertain significance. Last evaluated: 2025-09-26. Review status: criteria provided, single submitter. Criteria: Invitae Variant Classification Sherloc (09022015). Collection method: clinical testing. Allele origin: germline.
Comment: This sequence change replaces cysteine, which is neutral and slightly polar, with tyrosine, which is neutral and polar, at codon 490 of the SEC63 protein (p.Cys490Tyr). This variant is present in population databases (rs61761861, gnomAD 0.005%). This variant has not been reported in the literature in individuals affected with SEC63-related conditions. ClinVar contains an entry for this variant (Variation ID: 1468853). An algorithm developed to predict the effect of missense changes on protein structure and function (PolyPhen-2) suggests that this variant is likely to be tolerated. In summary, the available evidence is currently insufficient to determine the role of this variant in disease. Therefore, it has been classified as a Variant of Uncertain Significance.

NM_007214.5(SEC63):c.1469G>A (p.Cys490Tyr)

Gene: SEC63 (SEC63 protein translocation regulator; minus strand). Cytogenetic location: 6q21.
Variant type: single nucleotide variant.
Coding change: c.1469G>A on transcript NM_007214.5 (MANE Select); coding-DNA position 1469, G replaced by A.
Protein change: p.Cys490Tyr; replaces cysteine 490 with tyrosine.
Molecular consequence: missense variant.
Genome position (GRCh38, 1-based): chr6:107,893,869, C>T on the plus strand (G>A on the coding strand, the complement: SEC63 is on the minus strand). VCF-style: chr6-107893869-C-T. GRCh37 (hg19) VCF-style: chr6-108215073-C-T.
Other names: short protein forms C490Y.
Identifiers: ClinVar variation 1468853 (VCV001468853.6), dbSNP rs61761861, ClinGen allele CA3947370.
Genomic context (GRCh38, chr6:107,893,869, plus strand): 5'-AAAATAGGTTCGGAAACCCAAGTTTTTACCCCATCTTCTGCTGGCTGTTCCTCTGCAGCA[C>T]AGATGGACTGCTCCTTTTCAAATACTTCCTGGGGGGCGGCAAGAAGAGAAATACAAAATC-3'
Protein context (NP_009145.1, residues 480-500): AEVFEKEQSI[Cys490Tyr]AAEEQPAEDG